The following is an entry in ClinVar:

NM_001040108.2(MLH3):c.2404G>A (p.Asp802Asn)

Gene: MLH3 (mutL homolog 3; minus strand). Cytogenetic location: 14q24.3.
Variant type: single nucleotide variant.
Coding change: c.2404G>A on transcript NM_001040108.2 (MANE Select); coding-DNA position 2404, G replaced by A.
Protein change: p.Asp802Asn; replaces aspartic acid 802 with asparagine.
Molecular consequence: missense variant.
Genome position (GRCh38, 1-based): chr14:75,047,252, C>T on the plus strand (G>A on the coding strand, the complement: MLH3 is on the minus strand). VCF-style: chr14-75047252-C-T. GRCh37 (hg19) VCF-style: chr14-75513955-C-T.
Other names: c.2404G>A, p.Asp802Asn (NM_014381.3); short protein forms D802N.
Identifiers: ClinVar variation 4826067 (VCV004826067.1).

ClinVar aggregate classification (germline): Uncertain significance (1 of 4 stars; one submission).

Submission:

Ambry Genetics
Classification: Uncertain significance. Last evaluated: 2026-03-10. Review status: criteria provided, single submitter. Criteria: Ambry Variant Classification Scheme 2023. Collection method: clinical testing. Allele origin: germline.
Comment: The p.D802N variant (also known as c.2404G>A), located in coding exon 1 of the MLH3 gene, results from a G to A substitution at nucleotide position 2404. The aspartic acid at codon 802 is replaced by asparagine, an amino acid with highly similar properties. This amino acid position is conserved. In addition, this alteration is predicted to be tolerated by in silico analysis. Based on the available evidence, the clinical significance of this variant remains unclear.